The following is an entry in ClinVar:

NM_015295.3(SMCHD1):c.1784C>T (p.Pro595Leu)

Gene: SMCHD1 (structural maintenance of chromosomes flexible hinge domain containing 1; plus strand). Cytogenetic location: 18p11.32.
Variant type: single nucleotide variant.
Coding change: c.1784C>T on transcript NM_015295.3 (MANE Select); coding-DNA position 1784, C replaced by T.
Protein change: p.Pro595Leu; replaces proline 595 with leucine.
Molecular consequence: missense variant.
Genome position (GRCh38, 1-based): chr18:2,703,828, C>T. VCF-style: chr18-2703828-C-T. GRCh37 (hg19) VCF-style: chr18-2703826-C-T.
Other names: short protein forms P595L.
Identifiers: ClinVar variation 1496677 (VCV001496677.8), dbSNP rs2074455499, ClinGen allele CA401678550.

ClinVar aggregate classification (germline): Uncertain significance (1 of 4 stars; one submission).

Conditions:
Facioscapulohumeral muscular dystrophy 2 (FSHD2). Also called: MUSCULAR DYSTROPHY, FACIOSCAPULOHUMERAL, TYPE 1B; FACIOSCAPULOHUMERAL MUSCULAR DYSTROPHY 2, DIGENIC; FSHD2, DIGENIC. Identifiers: Orphanet 269, MedGen C1834671, MONDO:0008031, OMIM 158901.

Submission:

Labcorp Genetics (formerly Invitae), Labcorp
Classification: Uncertain significance for Facioscapulohumeral muscular dystrophy 2. Last evaluated: 2020-12-28. Review status: criteria provided, single submitter. Criteria: Invitae Variant Classification Sherloc (09022015). Collection method: clinical testing. Allele origin: germline.
Comment: In summary, the available evidence is currently insufficient to determine the role of this variant in disease. Therefore, it has been classified as a Variant of Uncertain Significance. Algorithms developed to predict the effect of missense changes on protein structure and function (SIFT, PolyPhen-2, Align-GVGD) all suggest that this variant is likely to be disruptive, but these predictions have not been confirmed by published functional studies and their clinical significance is uncertain. This variant has not been reported in the literature in individuals with SMCHD1-related conditions. This variant is not present in population databases (ExAC no frequency). This sequence change replaces proline with leucine at codon 595 of the SMCHD1 protein (p.Pro595Leu). The proline residue is highly conserved and there is a moderate physicochemical difference between proline and leucine.